The following is an entry in ClinVar:

ClinVar aggregate classification (germline): Uncertain significance (1 of 4 stars; one submission).

Conditions:
Hermansky-Pudlak syndrome 2 (HPS2). Also called: Platelet defects and oculocutaneous albinism. Identifiers: Orphanet 183678, Orphanet 79430, MedGen C1842362, MONDO:0011997, OMIM 608233.

Allele frequency attached by ClinVar (database versions not stated): gnomAD exomes below 0.00001; gnomAD 0.00003.
gnomAD v4.1: 1 of 1,595,630 alleles (0.000063%); highest among the groups gnomAD compares: Admixed American, 0.0017%; no homozygotes.

Submission:

Labcorp Genetics (formerly Invitae), Labcorp
Classification: Uncertain significance for Hermansky-Pudlak syndrome 2. Last evaluated: 2020-12-08. Review status: criteria provided, single submitter. Criteria: Invitae Variant Classification Sherloc (09022015). Collection method: clinical testing. Allele origin: germline.
Comment: Nucleotide substitutions within the consensus splice site are a relatively common cause of aberrant splicing (PMID: 17576681, 9536098). Algorithms developed to predict the effect of sequence changes on RNA splicing suggest that this variant may disrupt the consensus splice site, but this prediction has not been confirmed by published transcriptional studies. This variant has not been reported in the literature in individuals with AP3B1-related disease. This variant is not present in population databases (ExAC no frequency). This sequence change falls in intron 3 of the AP3B1 gene. It does not directly change the encoded amino acid sequence of the AP3B1 protein, but it affects a nucleotide within the consensus splice site of the intron. In summary, the available evidence is currently insufficient to determine the role of this variant in disease. Therefore, it has been classified as a Variant of Uncertain Significance.

Literature cited by the submitters: PubMed 17576681; PubMed 9536098.

NM_003664.5(AP3B1):c.279+6G>A

Gene: AP3B1 (adaptor related protein complex 3 subunit beta 1; minus strand). Cytogenetic location: 5q14.1.
Variant type: single nucleotide variant.
Coding change: c.279+6G>A on transcript NM_003664.5 (MANE Select); 6 bases into the intron after coding-DNA position 279, G replaced by A.
Molecular consequence: intron variant.
Genome position (GRCh38, 1-based): chr5:78,240,856, C>T on the plus strand (G>A on the coding strand, the complement: AP3B1 is on the minus strand). VCF-style: chr5-78240856-C-T. GRCh37 (hg19) VCF-style: chr5-77536680-C-T.
Other names: c.132+6G>A (NM_001271769.2).
Identifiers: ClinVar variation 533470 (VCV000533470.8), dbSNP rs1269853831, ClinGen allele CA560649811.